The following is an entry in ClinVar:

ClinVar aggregate classification (germline): Uncertain significance (1 of 4 stars; one submission).

Conditions:
SLC4A1-related disorder. Also called: SLC4A1-related condition; SLC4A1-related disorders.

Submission:

PreventionGenetics, part of Exact Sciences
Classification: Uncertain significance for SLC4A1-related condition. Last evaluated: 2026-05-27. Review status: criteria provided, single submitter. Criteria: ACMG Guidelines, 2015. Collection method: clinical testing. Allele origin: germline.
Comment: The SLC4A1 c.358C>T variant is predicted to result in the amino acid substitution p.Leu120Phe. To our knowledge, this variant has not been reported in the literature or in a large population database (gnomAD), indicating this variant is rare. At this time, the clinical significance of this variant is uncertain due to the absence of conclusive functional and genetic evidence.

NM_000342.4(SLC4A1):c.358C>T (p.Leu120Phe)

Gene: SLC4A1 (solute carrier family 4 member 1 (Diego blood group); minus strand). Cytogenetic location: 17q21.31.
Variant type: single nucleotide variant.
Coding change: c.358C>T on transcript NM_000342.4 (MANE Select); coding-DNA position 358, C replaced by T.
Protein change: p.Leu120Phe; replaces leucine 120 with phenylalanine.
Molecular consequence: missense variant.
Genome position (GRCh38, 1-based): chr17:44,260,531, G>A on the plus strand (C>T on the coding strand, the complement: SLC4A1 is on the minus strand). VCF-style: chr17-44260531-G-A. GRCh37 (hg19) VCF-style: chr17-42337899-G-A.
Other names: short protein forms L120F.
Identifiers: ClinVar variation 4977320 (VCV004977320.1).
Genomic context (GRCh38, chr17:44,260,531, plus strand): 5'-TAAACCTGTCTAGCAGTTGGTTGGCCACTCCAGCCAGGGAGGTCTCTTGCAGGTCTAGGA[G>A]GACAGTACCTGCAGGCAGTGGAGGAGTGAGCTGGTAGGCTGGGCCACAGCACCCCACAAC-3'
Protein context (NP_000333.1, residues 110-130): LRRVFTKGTV[Leu120Phe]LDLQETSLAG